The following is an entry in ClinVar:

NM_080916.1(DGUOK):c.-48G>A

Gene: DGUOK (deoxyguanosine kinase; plus strand). Cytogenetic location: 2p13.1.
Variant type: single nucleotide variant.
Coding change: c.-48G>A on transcript NM_080916.1; 48 bases upstream of the start codon, G replaced by A.
Genome position (GRCh38, 1-based): chr2:73,926,863, G>A. VCF-style: chr2-73926863-G-A. GRCh37 (hg19) VCF-style: chr2-74153990-G-A.
Identifiers: ClinVar variation 137084 (VCV000137084.8), dbSNP rs10186730, ClinGen allele CA290589.

ClinVar aggregate classification (germline): Benign/Likely benign. Review status: criteria provided, multiple submitters, no conflicts (2 of 4 stars). 2 submissions from 2 submitters: Benign (1); Likely benign (1). Last evaluated 2011-07-18.

Allele frequency attached by ClinVar (database versions not stated): gnomAD 0.04865 and 0.04509; ExAC 0.01350; 1000 Genomes Project 0.04353; TOPMed 0.05046; ESP Exome Variant Server 0.05067.

Submissions (2):

GeneDx
Classification: Benign. Last evaluated: 2011-07-18. Review status: criteria provided, single submitter. Criteria: GeneDx Variant Classification (06012015). Collection method: clinical testing. Allele origin: germline. Affected: yes.
Comment: This variant is considered likely benign or benign based on one or more of the following criteria: it is a conservative change, it occurs at a poorly conserved position in the protein, it is predicted to be benign by multiple in silico algorithms, and/or has population frequency not consistent with disease.

Breakthrough Genomics
Classification: Likely benign. Review status: criteria provided, single submitter. Criteria: ACMG Guidelines, 2015. Collection method: not provided. Allele origin: germline. Inheritance: Autosomal recessive inheritance. Affected: yes.